The following is an entry in ClinVar:

NM_000093.5(COL5A1):c.2149C>T (p.Pro717Ser)

Gene: COL5A1 (collagen type V alpha 1 chain; plus strand). Cytogenetic location: 9q34.3.
Variant type: single nucleotide variant.
Coding change: c.2149C>T on transcript NM_000093.5 (MANE Select); coding-DNA position 2149, C replaced by T.
Protein change: p.Pro717Ser; replaces proline 717 with serine.
Molecular consequence: missense variant.
Genome position (GRCh38, 1-based): chr9:134,767,015, C>T. VCF-style: chr9-134767015-C-T. GRCh37 (hg19) VCF-style: chr9-137658861-C-T.
Other names: c.2149C>T, p.Pro717Ser (NM_001278074.1); short protein forms P717S.
Identifiers: ClinVar variation 2662901 (VCV002662901.3), dbSNP rs2490664505, ClinGen allele CA375448136.

ClinVar aggregate classification (germline): Uncertain significance. Review status: criteria provided, multiple submitters, no conflicts (2 of 4 stars). 2 submissions from 2 submitters: Uncertain significance (2). Last evaluated 2025-01-01.

Conditions:
Ehlers-Danlos syndrome, classic type, 1 (EDSCL1). Also called: EHLERS-DANLOS SYNDROME, GRAVIS TYPE; EHLERS-DANLOS SYNDROME, SEVERE CLASSIC TYPE; Ehlers-Danlos syndrome, type 1; Ehlers-Danlos Syndrome, Classic Type, COL5A1-Related; EDS I. Identifiers: MedGen C0268335, MONDO:0019567, OMIM 130000.

Submissions (2):

Labcorp Genetics (formerly Invitae), Labcorp
Classification: Uncertain significance for Ehlers-Danlos syndrome, classic type, 1. Last evaluated: 2025-01-01. Review status: criteria provided, single submitter. Criteria: Invitae Variant Classification Sherloc (09022015). Collection method: clinical testing. Allele origin: germline.
Comment: This sequence change replaces proline, which is neutral and non-polar, with serine, which is neutral and polar, at codon 717 of the COL5A1 protein (p.Pro717Ser). This variant is not present in population databases (gnomAD no frequency). This variant has not been reported in the literature in individuals affected with COL5A1-related conditions. ClinVar contains an entry for this variant (Variation ID: 2662901). Invitae Evidence Modeling of protein sequence and biophysical properties (such as structural, functional, and spatial information, amino acid conservation, physicochemical variation, residue mobility, and thermodynamic stability) indicates that this missense variant is not expected to disrupt COL5A1 protein function with a negative predictive value of 95%. In summary, the available evidence is currently insufficient to determine the role of this variant in disease. Therefore, it has been classified as a Variant of Uncertain Significance.

GeneDx
Classification: Uncertain significance. Last evaluated: 2023-05-01. Review status: criteria provided, single submitter. Criteria: GeneDx Variant Classification Process June 2021. Collection method: clinical testing. Allele origin: germline. Affected: yes.
Comment: Has not been previously published as pathogenic or benign to our knowledge; Not observed at significant frequency in large population cohorts (gnomAD); In silico analysis supports that this missense variant has a deleterious effect on protein structure/function; Occurs in the triple helical domain at the Y position in the canonical Gly-X-Y repeat; although this variant may have an effect on normal protein folding and function, missense substitution at the Y position is not a common mechanism of disease (Symoens et al., 2012; HGMD)